The following is an entry in ClinVar:

ClinVar aggregate classification (germline): Uncertain significance (0 of 4 stars; one submission).

Conditions:
PCNT-related disorder. Also called: PCNT-related condition.

gnomAD v4.1: 6 of 1,612,526 alleles (0.00037%); highest among the groups gnomAD compares: East Asian, 0.0045%; no homozygotes.

Submission:

PreventionGenetics, part of Exact Sciences
Classification: Uncertain significance for PCNT-related condition. Last evaluated: 2023-11-11. Review status: no assertion criteria provided. Collection method: clinical testing. Allele origin: germline.
Comment: The PCNT c.6086A>T variant is predicted to result in the amino acid substitution p.Gln2029Leu. To our knowledge, this variant has not been reported in the literature. This variant is reported in 0.0065% of alleles in individuals of South Asian descent in gnomAD. At this time, the clinical significance of this variant is uncertain due to the absence of conclusive functional and genetic evidence.

NM_006031.6(PCNT):c.6086A>T (p.Gln2029Leu)

Gene: PCNT (pericentrin; plus strand). Cytogenetic location: 21q22.3.
Variant type: single nucleotide variant.
Coding change: c.6086A>T on transcript NM_006031.6 (MANE Select); coding-DNA position 6086, A replaced by T.
Protein change: p.Gln2029Leu; replaces glutamine 2029 with leucine.
Molecular consequence: missense variant.
Genome position (GRCh38, 1-based): chr21:46,412,928, A>T. VCF-style: chr21-46412928-A-T. GRCh37 (hg19) VCF-style: chr21-47832842-A-T.
Other names: c.5732A>T, p.Gln1911Leu (NM_001315529.2); short protein forms Q1911L, Q2029L.
Identifiers: ClinVar variation 3349852 (VCV003349852.1).